The following is an entry in ClinVar:

ClinVar aggregate classification (germline): Pathogenic/Likely pathogenic. Review status: criteria provided, multiple submitters, no conflicts (2 of 4 stars). 2 submissions from 2 submitters: Pathogenic (1); Likely pathogenic (1). Last evaluated 2018-07-01.

Conditions:
Tubulinopathy. Also called: Tubulinopathies. Identifiers: MedGen CN850169, MONDO:0100153.

Submissions (2):

Institute of Human Genetics, FAU Erlangen, Friedrich-Alexander-Universität Erlangen-Nürnberg
Classification: Pathogenic for Tubulinopathies. Last evaluated: 2018-07-01. Review status: criteria provided, single submitter. Criteria: ACMG Guidelines, 2015. Collection method: literature only. Allele origin: germline. Affected: yes. Observed: 1 variant allele.
Comment: The c.1148C>A, p.(Ala383Asp) variant has been reported as a variant of germline/unknown origin.

GeneDx
Classification: Likely pathogenic. Last evaluated: 2017-09-22. Review status: criteria provided, single submitter. Criteria: GeneDx Variant Classification (06012015). Collection method: clinical testing. Allele origin: germline. Affected: yes.
Comment: The A383D variant has not been published as a pathogenic variant, nor has it been reported as a benign polymorphism to our knowledge. It was not observed in approximately 6,500 individuals of European and African American ancestry in the NHLBI Exome Sequencing Project, indicating it is not a common benign variant in these populations. The A383D variant is a non-conservative amino acid substitution, which is likely to impact secondary protein structure as these residues differ in polarity, charge, size and/or other properties. This substitution occurs at a conserved position and missense variants in nearby residues have been reported in the Human Gene Mutation Database in association with TUBA1A-related disorders (Stenson et al., 2014), supporting the functional importance of this region of the protein. In silico analysis predicts this variant is probably damaging to the protein structure/function. Therefore, based on the currently available information, GeneDx interprets A383D as a variant, likely pathogenic

Literature cited by the submitters: PubMed 30744660 (cited by Institute of Human Genetics, FAU Erlangen, Friedrich-Alexander-Universität Erlangen-Nürnberg); DOI 10.1101/427948 (cited by Institute of Human Genetics, FAU Erlangen, Friedrich-Alexander-Universität Erlangen-Nürnberg).

NM_006009.4(TUBA1A):c.1148C>A (p.Ala383Asp)

Gene: TUBA1A (tubulin alpha 1a; minus strand). Cytogenetic location: 12q13.12.
Variant type: single nucleotide variant.
Coding change: c.1148C>A on transcript NM_006009.4 (MANE Select); coding-DNA position 1148, C replaced by A.
Protein change: p.Ala383Asp; replaces alanine 383 with aspartic acid.
Molecular consequence: missense variant.
Genome position (GRCh38, 1-based): chr12:49,185,218, G>T on the plus strand (C>A on the coding strand, the complement: TUBA1A is on the minus strand). VCF-style: chr12-49185218-G-T. GRCh37 (hg19) VCF-style: chr12-49579001-G-T.
Other names: c.1148C>A, p.Ala383Asp (NM_001270399.2); c.1043C>A, p.Ala348Asp (NM_001270400.2); short protein forms A383D, A348D.
Identifiers: ClinVar variation 427202 (VCV000427202.3), dbSNP rs587784482, ClinGen allele CA384635354.